The following is an entry in ClinVar:

ClinVar aggregate classification (germline): Uncertain significance (1 of 4 stars; one submission).

Submission:

Quest Diagnostics Nichols Institute San Juan Capistrano
Classification: Uncertain significance. Last evaluated: 2023-06-21. Review status: criteria provided, single submitter. Criteria: Quest Diagnostics criteria. Collection method: clinical testing. Allele origin: unknown.
Comment: To the best of our knowledge, this variant has not been reported in the published literature. It also has not been reported in large, multi-ethnic general populations (Genome Aggregation Database). Analysis of this variant using bioinformatics tools for the prediction of the effect of amino acid changes on protein structure and function yielded predictions that this variant is damaging. Based on the available information, we are unable to determine the clinical significance of this variant.

NM_177438.3(DICER1):c.242T>C (p.Leu81Pro)

Gene: DICER1 (dicer 1, ribonuclease III; minus strand). Cytogenetic location: 14q32.13.
Variant type: single nucleotide variant.
Coding change: c.242T>C on transcript NM_177438.3 (MANE Select); coding-DNA position 242, T replaced by C.
Protein change: p.Leu81Pro; replaces leucine 81 with proline.
Molecular consequence: missense variant. On other transcripts: 5 prime UTR variant (9), non-coding transcript variant (6).
Genome position (GRCh38, 1-based): chr14:95,132,580, A>G on the plus strand (T>C on the coding strand, the complement: DICER1 is on the minus strand). VCF-style: chr14-95132580-A-G. GRCh37 (hg19) VCF-style: chr14-95598917-A-G.
Other names: c.242T>C, p.Leu81Pro (NM_001195573.1, NM_001271282.3, NM_001291628.2 and 15 more transcripts); c.-33T>C (NM_001395686.1, NM_001395687.1, NM_001395688.1 and 4 more transcripts); c.-217T>C (NM_001395691.1); c.-1327T>C (NM_001395697.1); short protein forms L81P.
Identifiers: ClinVar variation 2681877 (VCV002681877.1), dbSNP rs1894044221, ClinGen allele CA390889852.
Genomic context (GRCh38, chr14:95,132,580, plus strand): 5'-TTGACCAAGAACACCGTCCTTTTTCCATTTCTGCTGAAGTCTCCCCTGATCTGATAGGAC[A>G]GCTCTTTAGTGAGTAGTACTGCAATAAATGTCTTCCCTGAGCCAGTGTTTAAACAGACGA-3'
Protein context (NP_803187.1, residues 71-91): TFIAVLLTKE[Leu81Pro]SYQIRGDFSR